The following is an entry in ClinVar:

NM_006623.4(PHGDH):c.1411C>T (p.Gln471Ter)

Gene: PHGDH (phosphoglycerate dehydrogenase; plus strand). Cytogenetic location: 1p12.
Variant type: single nucleotide variant.
Coding change: c.1411C>T on transcript NM_006623.4 (MANE Select); coding-DNA position 1411, C replaced by T.
Protein change: p.Gln471Ter; replaces glutamine 471 with a stop codon.
Molecular consequence: nonsense.
Genome position (GRCh38, 1-based): chr1:119,743,008, C>T. VCF-style: chr1-119743008-C-T. GRCh37 (hg19) VCF-style: chr1-120285631-C-T.
Other names: short protein forms Q471*.
Identifiers: ClinVar variation 4815520 (VCV004815520.1).
Genomic context (GRCh38, chr1:119,743,008, plus strand): 5'-GCTGTCTTCAGGCCAGAAGTGCCTCTCCGCAGGGACCTGCCCCTGCTCCTATTCCGGACT[C>T]AGACCTCTGACCCTGCAATGCTGCCTACCATGATTGGTGAGGAGGGCCCTGTAGGGCTGG-3'

ClinVar aggregate classification (germline): Likely pathogenic (1 of 4 stars; one submission).

Conditions:
PHGDH deficiency. Identifiers: Orphanet 79351, MedGen C1866174, MONDO:0011152, OMIM 601815.

Submission:

Natera, Inc.
Classification: Likely pathogenic for Phosphoglycerate dehydrogenase deficiency. Last evaluated: 2025-06-27. Review status: criteria provided, single submitter. Criteria: Natera Variant Classification Schema (03/2026). Collection method: clinical testing. Allele origin: germline.
Comment: The c.1411C>T variant in PHGDH is a nonsense variant predicted to introduce a stop codon at amino acid 471. This variant is expected to result in nonsense mediated decay, truncation, or a dysfunctional protein product. This variant is rare in the general population with a frequency below the threshold expected for the associated phenotype(s). Given the available evidence, this variant is classified as Likely Pathogenic.